The following is an entry in ClinVar:

NM_000094.4(COL7A1):c.6090C>T (p.Ser2030=)

Gene: COL7A1 (collagen type VII alpha 1 chain; minus strand). Cytogenetic location: 3p21.31.
Variant type: single nucleotide variant.
Coding change: c.6090C>T on transcript NM_000094.4 (MANE Select); coding-DNA position 6090, C replaced by T.
Protein change: p.Ser2030=; no amino-acid change (serine 2030 retained).
Molecular consequence: synonymous variant.
Genome position (GRCh38, 1-based): chr3:48,575,429, G>A on the plus strand (C>T on the coding strand, the complement: COL7A1 is on the minus strand). VCF-style: chr3-48575429-G-A. GRCh37 (hg19) VCF-style: chr3-48612862-G-A.
Other names: p.Ser2030=.
Identifiers: ClinVar variation 745682 (VCV000745682.14), dbSNP rs200360245, ClinGen allele CA2379196.

ClinVar aggregate classification (germline): Benign/Likely benign. Review status: criteria provided, multiple submitters, no conflicts (2 of 4 stars). 4 submissions from 4 submitters: Benign (1); Likely benign (1). 2 of the submissions do not count toward it. Last evaluated 2026-01-28.

Conditions:
Epidermolysis bullosa dystrophica. Also called: Dystrophic epidermolysis bullosa, Hallopeau-Siemens type (formerly); Dystrophic epidermolysis bullosa. Identifiers: Orphanet 303, MedGen C0079294, MONDO:0006543.
COL7A1-related disorder. Also called: COL7A1-related condition; COL7A1- related disorders.

Allele frequency attached by ClinVar (database versions not stated): gnomAD exomes 0.00013 and 0.00024; ExAC 0.00029; ESP Exome Variant Server 0.00063; gnomAD 0.00112 and 0.00121; TOPMed 0.00119; 1000 Genomes Project 0.00160; 1000 Genomes Project 30x 0.00187.
gnomAD v4.1: 359 of 1,609,436 alleles (0.022%); highest among the groups gnomAD compares: African/African-American, 0.42%; 1 homozygote.

Submissions (4):

Labcorp Genetics (formerly Invitae), Labcorp
Classification: Benign. Last evaluated: 2026-01-28. Review status: criteria provided, single submitter. Criteria: Invitae Variant Classification Sherloc (09022015). Collection method: clinical testing. Allele origin: germline.

Mayo Clinic Laboratories, Mayo Clinic
Classification: Likely benign. Last evaluated: 2025-10-16. Review status: criteria provided, single submitter. Criteria: ACMG Guidelines, 2015. Collection method: clinical testing. Allele origin: germline. Observed: 1 variant allele.
Comment: BS1, BP4, BP7

Natera, Inc.
Classification: Likely benign for Dystrophic epidermolysis bullosa. Last evaluated: 2019-10-24. Review status: no assertion criteria provided. Collection method: clinical testing. Allele origin: germline. Not counted in ClinVar's aggregate classification.

PreventionGenetics, part of Exact Sciences
Classification: Likely benign for COL7A1-related condition. Last evaluated: 2019-04-25. Review status: no assertion criteria provided. Collection method: clinical testing. Allele origin: germline. Not counted in ClinVar's aggregate classification.
Comment: This variant is classified as likely benign based on ACMG/AMP sequence variant interpretation guidelines (Richards et al. 2015 PMID: 25741868, with internal and published modifications).